The following is an entry in ClinVar:

ClinVar aggregate classification (germline): Uncertain significance (1 of 4 stars; one submission).

Conditions:
Werner syndrome (WRN). Identifiers: Orphanet 902, MedGen C0043119, MONDO:0010196, OMIM 277700.

Allele frequency attached by ClinVar (database versions not stated): gnomAD exomes below 0.00001.
gnomAD v4.1: 1 of 1,613,832 alleles (0.000062%); highest among the groups gnomAD compares: Admixed American, 0.0017%; no homozygotes.

Submission:

Labcorp Genetics (formerly Invitae), Labcorp
Classification: Uncertain significance for Werner syndrome. Last evaluated: 2020-10-19. Review status: criteria provided, single submitter. Criteria: Invitae Variant Classification Sherloc (09022015). Collection method: clinical testing. Allele origin: germline.
Comment: In summary, the available evidence is currently insufficient to determine the role of this variant in disease. Therefore, it has been classified as a Variant of Uncertain Significance. Algorithms developed to predict the effect of missense changes on protein structure and function output the following: SIFT: "Tolerated"; PolyPhen-2: "Benign"; Align-GVGD: "Class C0". The proline amino acid residue is found in multiple mammalian species, suggesting that this missense change does not adversely affect protein function. These predictions have not been confirmed by published functional studies and their clinical significance is uncertain. This variant has not been reported in the literature in individuals with WRN-related disease. This variant is not present in population databases (ExAC no frequency). This sequence change replaces glutamine with proline at codon 11 of the WRN protein (p.Gln11Pro). The glutamine residue is weakly conserved and there is a moderate physicochemical difference between glutamine and proline.

NM_000553.6(WRN):c.32A>C (p.Gln11Pro)

Gene: WRN (WRN RecQ like helicase; plus strand). Cytogenetic location: 8p12.
Variant type: single nucleotide variant.
Coding change: c.32A>C on transcript NM_000553.6 (MANE Select); coding-DNA position 32, A replaced by C.
Protein change: p.Gln11Pro; replaces glutamine 11 with proline.
Molecular consequence: missense variant.
Genome position (GRCh38, 1-based): chr8:31,058,479, A>C. VCF-style: chr8-31058479-A-C. GRCh37 (hg19) VCF-style: chr8-30915995-A-C.
Other names: short protein forms Q11P.
Identifiers: ClinVar variation 576909 (VCV000576909.4), dbSNP rs1210013520, ClinGen allele CA370912073.